The following is an entry in ClinVar:

NM_001001557.4(GDF6):c.593A>G (p.Asp198Gly)

Gene: GDF6 (growth differentiation factor 6; minus strand). Cytogenetic location: 8q22.1.
Variant type: single nucleotide variant.
Coding change: c.593A>G on transcript NM_001001557.4 (MANE Select); coding-DNA position 593, A replaced by G.
Protein change: p.Asp198Gly; replaces aspartic acid 198 with glycine.
Molecular consequence: missense variant.
Genome position (GRCh38, 1-based): chr8:96,145,338, T>C on the plus strand (A>G on the coding strand, the complement: GDF6 is on the minus strand). VCF-style: chr8-96145338-T-C. GRCh37 (hg19) VCF-style: chr8-97157566-T-C.
Other names: short protein forms D198G.
Identifiers: ClinVar variation 3758494 (VCV003758494.2).

ClinVar aggregate classification (germline): Uncertain significance (1 of 4 stars; one submission).

Conditions:
Microphthalmia, isolated, with coloboma 6 (MCOPCB6). Also called: MICROPHTHALMIA/COLOBOMA 6; Microphthalmia with coloboma 6, digenic; Microphthalmia with coloboma 6. Identifiers: Orphanet 98938, MedGen C3150968, MONDO:0013376, OMIM 613703.
Leber congenital amaurosis 17 (LCA17). Identifiers: Orphanet 65, MedGen C3715164, MONDO:0014145, OMIM 615360.
Isolated microphthalmia 4. Identifiers: Orphanet 2542, MedGen C2751307, MONDO:0013130, OMIM 613094.
Klippel-Feil syndrome 1, autosomal dominant (KFS1). Also called: CERVICAL VERTEBRAL FUSION, AUTOSOMAL DOMINANT. Identifiers: Orphanet 2345, MedGen C1861689, MONDO:0007306, OMIM 118100.

gnomAD v4.1: 3 of 1,541,662 alleles (0.00019%); highest among the groups gnomAD compares: Non-Finnish European, 0.00026%; no homozygotes.

Submission:

Labcorp Genetics (formerly Invitae), Labcorp
Classification: Uncertain significance for Isolated microphthalmia 4; Leber congenital amaurosis 17; Klippel-Feil syndrome 1, autosomal dominant; Microphthalmia, isolated, with coloboma 6. Last evaluated: 2024-09-30. Review status: criteria provided, single submitter. Criteria: Invitae Variant Classification Sherloc (09022015). Collection method: clinical testing. Allele origin: germline.
Comment: This sequence change replaces aspartic acid, which is acidic and polar, with glycine, which is neutral and non-polar, at codon 198 of the GDF6 protein (p.Asp198Gly). This variant is not present in population databases (gnomAD no frequency). This variant has not been reported in the literature in individuals affected with GDF6-related conditions. Invitae Evidence Modeling of protein sequence and biophysical properties (such as structural, functional, and spatial information, amino acid conservation, physicochemical variation, residue mobility, and thermodynamic stability) indicates that this missense variant is not expected to disrupt GDF6 protein function with a negative predictive value of 80%. In summary, the available evidence is currently insufficient to determine the role of this variant in disease. Therefore, it has been classified as a Variant of Uncertain Significance.